The following is an entry in ClinVar:

ClinVar aggregate classification (germline): Uncertain significance. Review status: criteria provided, multiple submitters, no conflicts (2 of 4 stars). 2 submissions from 2 submitters: Uncertain significance (2). Last evaluated 2023-09-28.

Conditions:
Cohen syndrome (COH1). Also called: PEPPER SYNDROME; Cutis verticis gyrata, retinitis pigmentosa, and sensorineural deafness. Identifiers: Orphanet 193, MedGen C0265223, MONDO:0008999, OMIM 216550.

Allele frequency attached by ClinVar (database versions not stated): gnomAD exomes below 0.00001 and 0.00001; TOPMed below 0.00001; gnomAD 0.00001.
gnomAD v4.1: 15 of 1,614,016 alleles (0.00093%); highest among the groups gnomAD compares: Non-Finnish European, 0.0012%; no homozygotes.

Submissions (2):

GeneDx
Classification: Uncertain significance. Last evaluated: 2023-09-28. Review status: criteria provided, single submitter. Criteria: GeneDx Variant Classification Process June 2021. Collection method: clinical testing. Allele origin: germline. Affected: yes.
Comment: Has not been previously published as pathogenic or benign to our knowledge; Not observed at significant frequency in large population cohorts (gnomAD); In silico analysis supports that this missense variant has a deleterious effect on protein structure/function

Labcorp Genetics (formerly Invitae), Labcorp
Classification: Uncertain significance for Cohen syndrome. Last evaluated: 2021-08-28. Review status: criteria provided, single submitter. Criteria: Invitae Variant Classification Sherloc (09022015). Collection method: clinical testing. Allele origin: germline.

NM_152564.5(VPS13B):c.9782C>T (p.Ser3261Phe)

Gene: VPS13B (vacuolar protein sorting 13 homolog B; plus strand). Cytogenetic location: 8q22.2.
Variant type: single nucleotide variant.
Coding change: c.9782C>T on transcript NM_152564.5 (MANE Select); coding-DNA position 9782, C replaced by T.
Protein change: p.Ser3261Phe; replaces serine 3261 with phenylalanine.
Molecular consequence: missense variant.
Genome position (GRCh38, 1-based): chr8:99,835,578, C>T. VCF-style: chr8-99835578-C-T. GRCh37 (hg19) VCF-style: chr8-100847806-C-T.
Other names: c.9857C>T, p.Ser3286Phe (NM_017890.5); c.9857C>T (NM_017890.3); short protein forms S3286F, S3261F.
Identifiers: ClinVar variation 1433938 (VCV001433938.4), dbSNP rs1372759268, ClinGen allele CA371783789.